The following is an entry in ClinVar:

ClinVar aggregate classification (germline): Uncertain significance. Review status: criteria provided, multiple submitters, no conflicts (2 of 4 stars). 3 submissions from 3 submitters: Uncertain significance (3). Last evaluated 2025-07-01.

Conditions:
Inborn genetic diseases. Identifiers: MedGen C0950123, MeSH D030342.
Monocytopenia with susceptibility to infections. Also called: GATA2 DEFICIENCY; IMMUNODEFICIENCY 21; MONOCYTOPENIA AND MYCOBACTERIAL INFECTION SYNDROME; MONOCYTOPENIA WITH SUSCEPTIBILITY TO MYCOBACTERIAL, FUNGAL, AND PAPILLOMAVIRUS INFECTIONS AND MYELODYSPLASIA; COMBINED IMMUNODEFICIENCY WITH SUSCEPTIBILITY TO MYCOBACTERIAL, VIRAL, AND FUNGAL INFECTIONS; Dendritic cell, monocyte, B lymphocyte, and natural killer lymphocyte deficiency. Identifiers: Orphanet 228423, MedGen C3280030, MONDO:0013607, OMIM 614172.
Deafness-lymphedema-leukemia syndrome. Also called: Emberger syndrome; Lymphedema, primary, with myelodysplasia. Identifiers: Orphanet 3226, MedGen C3279664, MONDO:0013540, OMIM 614038.

Allele frequency attached by ClinVar (database versions not stated): gnomAD exomes below 0.00001; ExAC 0.00001.

Submissions (3):

Ambry Genetics
Classification: Uncertain significance for Inborn genetic diseases. Last evaluated: 2025-07-01. Review status: criteria provided, single submitter. Criteria: Ambry Variant Classification Scheme 2023. Collection method: clinical testing. Allele origin: germline.
Comment: The p.N365S variant (also known as c.1094A>G), located in coding exon 4 of the GATA2 gene, results from an A to G substitution at nucleotide position 1094. The asparagine at codon 365 is replaced by serine, an amino acid with highly similar properties. This amino acid position is highly conserved in available vertebrate species. In addition, the in silico prediction for this alteration is inconclusive. Based on the available evidence, the clinical significance of this variant remains unclear.

GeneDx
Classification: Uncertain significance. Last evaluated: 2023-11-15. Review status: criteria provided, single submitter. Criteria: GeneDx Variant Classification Process June 2021. Collection method: clinical testing. Allele origin: germline. Affected: yes.
Comment: Not observed at significant frequency in large population cohorts (gnomAD); In silico analysis supports that this missense variant has a deleterious effect on protein structure/function; Has not been previously published as pathogenic or benign to our knowledge; This variant is associated with the following publications: (PMID: 1714909, 28179282)

Labcorp Genetics (formerly Invitae), Labcorp
Classification: Uncertain significance for Monocytopenia with susceptibility to infections; Deafness-lymphedema-leukemia syndrome. Last evaluated: 2023-08-09. Review status: criteria provided, single submitter. Criteria: Invitae Variant Classification Sherloc (09022015). Collection method: clinical testing. Allele origin: germline.
Comment: This sequence change replaces asparagine, which is neutral and polar, with serine, which is neutral and polar, at codon 365 of the GATA2 protein (p.Asn365Ser). This variant is present in population databases (rs773430309, gnomAD 0.0009%). This variant has not been reported in the literature in individuals affected with GATA2-related conditions. ClinVar contains an entry for this variant (Variation ID: 935683). Advanced modeling of protein sequence and biophysical properties (such as structural, functional, and spatial information, amino acid conservation, physicochemical variation, residue mobility, and thermodynamic stability) has been performed at Invitae for this missense variant, however the output from this modeling did not meet the statistical confidence thresholds required to predict the impact of this variant on GATA2 protein function. In summary, the available evidence is currently insufficient to determine the role of this variant in disease. Therefore, it has been classified as a Variant of Uncertain Significance.

NM_032638.5(GATA2):c.1094A>G (p.Asn365Ser)

Gene: GATA2 (GATA binding protein 2; minus strand). Cytogenetic location: 3q21.3.
Variant type: single nucleotide variant.
Coding change: c.1094A>G on transcript NM_032638.5 (MANE Select); coding-DNA position 1094, A replaced by G.
Protein change: p.Asn365Ser; replaces asparagine 365 with serine.
Molecular consequence: missense variant.
Genome position (GRCh38, 1-based): chr3:128,481,868, T>C on the plus strand (A>G on the coding strand, the complement: GATA2 is on the minus strand). VCF-style: chr3-128481868-T-C. GRCh37 (hg19) VCF-style: chr3-128200711-T-C.
Other names: c.1094A>G, p.Asn365Ser (NM_001145661.2); c.1052A>G, p.Asn351Ser (NM_001145662.1); short protein forms N365S, N351S.
Identifiers: ClinVar variation 935683 (VCV000935683.11), dbSNP rs773430309, ClinGen allele CA2599869.